The following is an entry in ClinVar:

NM_001267550.2(TTN):c.49812G>T (p.Gly16604=)

Genes: TTN (titin; minus strand), TTN-AS1 (TTN antisense RNA 1; plus strand). Cytogenetic location: 2q31.2.
Variant type: single nucleotide variant.
Coding change: c.49812G>T on transcript NM_001267550.2 (MANE Select); coding-DNA position 49812, G replaced by T.
Protein change: p.Gly16604=; no amino-acid change (glycine 16604 retained).
Molecular consequence: synonymous variant.
Genome position (GRCh38, 1-based): chr2:178,612,909, C>A on the plus strand (G>T on the coding strand, the complement: TTN is on the minus strand). VCF-style: chr2-178612909-C-A. GRCh37 (hg19) VCF-style: chr2-179477636-C-A.
Other names: c.44889G>T, p.Gly14963= (NM_001256850.1); c.22617G>T, p.Gly7539= (NM_003319.4); c.42108G>T, p.Gly14036= (NM_133378.4); c.22992G>T, p.Gly7664= (NM_133432.3); c.23193G>T, p.Gly7731= (NM_133437.4).
Identifiers: ClinVar variation 390820 (VCV000390820.1), dbSNP rs760032120, ClinGen allele CA16603908.

ClinVar aggregate classification (germline): Likely benign (1 of 4 stars; one submission).

Allele frequency attached by ClinVar (database versions not stated): gnomAD exomes below 0.00001.
gnomAD v4.1: 2 of 1,612,446 alleles (0.00012%); highest among the groups gnomAD compares: Admixed American, 0.0033%; no homozygotes.

Submission:

GeneDx
Classification: Likely benign. Last evaluated: 2016-11-21. Review status: criteria provided, single submitter. Criteria: GeneDx Variant Classification (06012015). Collection method: clinical testing. Allele origin: germline. Affected: yes.
Comment: This variant is considered likely benign or benign based on one or more of the following criteria: it is a conservative change, it occurs at a poorly conserved position in the protein, it is predicted to be benign by multiple in silico algorithms, and/or has population frequency not consistent with disease.